The following is an entry in ClinVar:

NM_025137.4(SPG11):c.2234T>G (p.Leu745Trp)

Gene: SPG11 (SPG11 vesicle trafficking associated, spatacsin; minus strand). Cytogenetic location: 15q21.1.
Variant type: single nucleotide variant.
Coding change: c.2234T>G on transcript NM_025137.4 (MANE Select); coding-DNA position 2234, T replaced by G.
Protein change: p.Leu745Trp; replaces leucine 745 with tryptophan.
Molecular consequence: missense variant.
Genome position (GRCh38, 1-based): chr15:44,626,341, A>C on the plus strand (T>G on the coding strand, the complement: SPG11 is on the minus strand). VCF-style: chr15-44626341-A-C. GRCh37 (hg19) VCF-style: chr15-44918539-A-C.
Other names: c.2234T>G, p.Leu745Trp (NM_001160227.2); short protein forms L745W.
Identifiers: ClinVar variation 1462339 (VCV001462339.8), dbSNP rs1448574986, ClinGen allele CA392233104.
Genomic context (GRCh38, chr15:44,626,341, plus strand): 5'-TAGAAATTATATTAAATACATTTTAAGACTTTATGGATTACACCACTCACCATATTCTTC[A>C]AAAGTTCAGAGGCTTCCTTTATATTGTTCTTTTTTAAATTGTCAAAGACCAAATTTAGGC-3'
Protein context (NP_079413.3, residues 735-755): KNNIKEASEL[Leu745Trp]KNMGFDVKGQ

ClinVar aggregate classification (germline): Uncertain significance (1 of 4 stars; one submission).

Conditions:
Hereditary spastic paraplegia 11. Also called: Spastic Paraplegia 11; Nakamura Osame syndrome; Autosomal recessive hereditary spastic paraplegia, mental impairment, and thin corpus callosum; SPASTIC PARAPLEGIA, AUTOSOMAL RECESSIVE, COMPLICATED, WITH THIN CORPUS CALLOSUM; SPASTIC PARAPLEGIA, AUTOSOMAL RECESSIVE, WITH MENTAL IMPAIRMENT AND THIN CORPUS CALLOSUM; Spastic paraplegia, mental retardation and thin corpus callosum. Identifiers: Orphanet 2822, MedGen C1858479, MONDO:0011445, OMIM 604360.

Allele frequency attached by ClinVar (database versions not stated): TOPMed below 0.00001; gnomAD 0.00001.

Submission:

Labcorp Genetics (formerly Invitae), Labcorp
Classification: Uncertain significance for Hereditary spastic paraplegia 11. Last evaluated: 2021-04-04. Review status: criteria provided, single submitter. Criteria: Invitae Variant Classification Sherloc (09022015). Collection method: clinical testing. Allele origin: germline.
Comment: In summary, the available evidence is currently insufficient to determine the role of this variant in disease. Therefore, it has been classified as a Variant of Uncertain Significance. Algorithms developed to predict the effect of missense changes on protein structure and function are either unavailable or do not agree on the potential impact of this missense change (SIFT: "Deleterious"; PolyPhen-2: "Probably Damaging"; Align-GVGD: "Class C0"). This variant has not been reported in the literature in individuals with SPG11-related conditions. This variant is not present in population databases (ExAC no frequency). This sequence change replaces leucine with tryptophan at codon 745 of the SPG11 protein (p.Leu745Trp). The leucine residue is moderately conserved and there is a small physicochemical difference between leucine and tryptophan.